The following is an entry in ClinVar:

Single allele

Gene: KRIT1 (KRIT1 ankyrin repeat containing; minus strand). Cytogenetic location: 7q21.2.
Variant type: Deletion.
Identifiers: ClinVar variation 2684133 (VCV002684133.1).

ClinVar aggregate classification (germline): Likely pathogenic (1 of 4 stars; one submission).

Submission:

Athena Diagnostics
Classification: Likely pathogenic. Last evaluated: 2023-05-18. Review status: criteria provided, single submitter. Criteria: Athena Diagnostics Criteria. Collection method: clinical testing. Allele origin: unknown.
Comment: This deletion is expected to result in the loss of a functional protein in a gene for which loss of protein function associates with disease. Similar variants have not been reported in large, multi-ethnic general populations (Genome Aggregation Database (gnomAD), Cambridge, MA (URL)).

Literature cited by the submitters: PubMed 17160895.